The following is an entry in ClinVar:

NM_021614.4(KCNN2):c.1718A>G (p.Tyr573Cys)

Genes: KCNN2 (potassium calcium-activated channel subfamily N member 2; plus strand), KCNN2-AS1 (KCNN2 antisense RNA 1; minus strand). Cytogenetic location: 5q22.3.
Variant type: single nucleotide variant.
Coding change: c.1718A>G on transcript NM_021614.4 (MANE Select); coding-DNA position 1718, A replaced by G.
Protein change: p.Tyr573Cys; replaces tyrosine 573 with cysteine.
Molecular consequence: missense variant. On other transcripts: non-coding transcript variant (1).
Genome position (GRCh38, 1-based): chr5:114,463,129, A>G. VCF-style: chr5-114463129-A-G. GRCh37 (hg19) VCF-style: chr5-113798826-A-G.
Other names: c.1916A>G, p.Tyr639Cys (NM_001372233.1); c.38A>G, p.Tyr13Cys (NM_170775.3); c.38A>G (NM_170775.2); short protein forms Y13C, Y573C, Y639C.
Identifiers: ClinVar variation 933145 (VCV000933145.5), dbSNP rs1761282515, ClinGen allele CA360704439.
Genomic context (GRCh38, chr5:114,463,129, plus strand): 5'-TTACTAGCAACTTCCTTGGAGCGATGTGGTTGATATCAATAACTTTTCTCTCCATTGGTT[A>G]TGGTGACATGGTACCTAACACATACTGTGGAAAAGGAGTCTGCTTACTTACTGGAATTAT-3'
Protein context (NP_067627.3, residues 563-583): LISITFLSIG[Tyr573Cys]GDMVPNTYCG

ClinVar aggregate classification (germline): Pathogenic/Likely pathogenic. Review status: criteria provided, multiple submitters, no conflicts (2 of 4 stars). 3 submissions from 3 submitters: Pathogenic (1); Likely pathogenic (2). Last evaluated 2026-01-27.

Conditions:
Neurodevelopmental disorder with or without variable movement or behavioral abnormalities (NEDMAB). Identifiers: MedGen C5676908, MONDO:0859225, OMIM 619725.
Autistic behavior. Identifiers: MedGen C0856975, HP:0000729.
Intellectual disability. Also called: Intellectual functioning disability; Intellectual developmental disorder; intellectual disabilities. Identifiers: MedGen C3714756, MeSH D008607, MONDO:0001071, HP:0001249.
Cerebellar ataxia. Identifiers: Orphanet 102002, MedGen C0007758, MONDO:0000437.
Global developmental delay (DD). Also called: Cognitive delay. Identifiers: MedGen C0557874, HP:0001263. Disease mechanism: loss of function.

Submissions (3):

GeneDx
Classification: Pathogenic. Last evaluated: 2026-01-27. Review status: criteria provided, single submitter. Criteria: GeneDx Variant Classification Process June 2021. Collection method: clinical testing. Allele origin: germline.
Comment: Not observed at significant frequency in large population cohorts (gnomAD); In silico analysis supports that this missense variant has a deleterious effect on protein structure/function; This variant is associated with the following publications: (PMID: 33242881, 36672771)

Institute of Human Genetics, University of Leipzig Medical Center
Classification: Likely pathogenic for Neurodevelopmental disorder with or without variable movement or behavioral abnormalities. Last evaluated: 2023-03-29. Review status: criteria provided, single submitter. Criteria: ACMG Guidelines, 2015. Collection method: research. Allele origin: de novo. Affected: yes.

Institute for Human Genetics, University Hospital Essen
Classification: Likely pathogenic for Global developmental delay; Intellectual disability; Autistic behavior; Ataxia. Last evaluated: 2020-07-01. Review status: criteria provided, single submitter. Criteria: ACMG Guidelines, 2015. Collection method: research. Allele origin: de novo. Affected: yes. Observed: 1 variant allele, 1 heterozygote.

Literature cited by the submitters: PubMed 36746441 (cited by Institute of Human Genetics, University of Leipzig Medical Center).